The following is an entry in ClinVar:

NM_000550.3(TYRP1):c.*1_*4dup (p.Ter538=)

Genes: LURAP1L-AS1 (LURAP1L antisense RNA 1; minus strand), TYRP1 (tyrosinase related protein 1; plus strand). Cytogenetic location: 9p23.
Variant type: Duplication.
Coding change: c.*1_*4dup on transcript NM_000550.3 (MANE Select); 1 bases downstream of the stop codon through 4 bases downstream of the stop codon, 4 bases duplicated (CAAA; older notation c.*1_*4dupCAAA).
Protein change: p.Ter538=.
Molecular consequence: no sequence alteration.
Genome position (GRCh38, 1-based): chr9:12,709,183-12,709,186, CAAA duplicated; duplicating any 4 consecutive bases within chr9:12,709,181-12,709,186 gives the same sequence; the c. name uses the placement nearest the transcript's 3' end. VCF-style (leftmost placement, unchanged base first): chr9-12709180-T-TAACA. GRCh37 (hg19) VCF-style: chr9-12709180-T-TAACA.
Identifiers: ClinVar variation 1025066 (VCV001025066.4), dbSNP rs771033085, ClinGen allele CA4985643.

ClinVar aggregate classification (germline): Uncertain significance (1 of 4 stars; one submission).

Submission:

Labcorp Genetics (formerly Invitae), Labcorp
Classification: Uncertain significance. Last evaluated: 2022-10-24. Review status: criteria provided, single submitter. Criteria: Invitae Variant Classification Sherloc (09022015). Collection method: clinical testing. Allele origin: germline.
Comment: This variant occurs in a non-coding region of the TYRP1 gene. It does not change the encoded amino acid sequence of the TYRP1 protein. This variant is present in population databases (rs771033085, gnomAD 0.04%). This variant has not been reported in the literature in individuals affected with TYRP1-related conditions. ClinVar contains an entry for this variant (Variation ID: 1025066). Experimental studies and prediction algorithms are not available or were not evaluated, and the functional significance of this variant is currently unknown. In summary, the available evidence is currently insufficient to determine the role of this variant in disease. Therefore, it has been classified as a Variant of Uncertain Significance.